The following is an entry in ClinVar:

ClinVar aggregate classification (germline): Uncertain significance (1 of 4 stars; one submission).

Conditions:
Hereditary cancer-predisposing syndrome. Also called: Hereditary Cancer Syndrome; Neoplastic Syndromes, Hereditary; Tumor predisposition; Hereditary neoplastic syndrome. Identifiers: Orphanet 140162, MedGen C0027672, MeSH D009386, MONDO:0015356.

Submission:

Ambry Genetics
Classification: Uncertain significance for Hereditary cancer-predisposing syndrome. Last evaluated: 2025-05-05. Review status: criteria provided, single submitter. Criteria: Ambry Variant Classification Scheme 2023. Collection method: clinical testing. Allele origin: germline.
Comment: The p.F1657L variant (also known as c.4971C>A), located in coding exon 37 of the TSC2 gene, results from a C to A substitution at nucleotide position 4971. The phenylalanine at codon 1657 is replaced by leucine, an amino acid with highly similar properties. This amino acid position is not well conserved in available vertebrate species. In addition, this alteration is predicted to be deleterious by in silico analysis. Based on the available evidence, the clinical significance of this variant remains unclear.

NM_000548.5(TSC2):c.4971C>A (p.Phe1657Leu)

Gene: TSC2 (TSC complex subunit 2; plus strand). Cytogenetic location: 16p13.3.
Variant type: single nucleotide variant.
Coding change: c.4971C>A on transcript NM_000548.5 (MANE Select); coding-DNA position 4971, C replaced by A.
Protein change: p.Phe1657Leu; replaces phenylalanine 1657 with leucine.
Molecular consequence: missense variant.
Genome position (GRCh38, 1-based): chr16:2,086,853, C>A. VCF-style: chr16-2086853-C-A. GRCh37 (hg19) VCF-style: chr16-2136854-C-A.
Other names: c.4770C>A, p.Phe1590Leu (NM_001077183.3); c.4902C>A, p.Phe1634Leu (NM_001114382.3); c.4662C>A, p.Phe1554Leu (NM_001318827.2); c.4626C>A, p.Phe1542Leu (NM_001318829.2); c.4239C>A, p.Phe1413Leu (NM_001318831.2); c.4803C>A, p.Phe1601Leu (NM_001318832.2); c.4773C>A, p.Phe1591Leu (NM_001363528.2); c.4839C>A, p.Phe1613Leu (NM_001370404.1); and 26 more; short protein forms F1166L, F1391L, F1413L, F1554L, F1571L, F1585L, F1590L, F1613L.
Identifiers: ClinVar variation 1744468 (VCV001744468.3), dbSNP rs1596444029, ClinGen allele CA394309089.